The following is an entry in ClinVar:

ClinVar aggregate classification (germline): Likely pathogenic (1 of 4 stars; one submission).

Conditions:
Macular dystrophy with or without extraocular features.

Submission:

Ophthalmic Genetics Group, Institute of Molecular and Clinical Ophthalmology Basel
Classification: Likely pathogenic for Macular dystrophy with or without extraocular features. Last evaluated: 2024-12-17. Review status: criteria provided, single submitter. Criteria: ACMG Guidelines, 2015. Collection method: research. Allele origin: germline. Affected: yes. Observed: 1 variant allele.
Comment: This frameshift deletion introduces a premature termination codon in the last exon, resulting in a truncated AP5B1 protein (removing >10% of the transcript). This variant is not present in gnomAD v2.1.1. It was classified as Likely pathogenic based on ACMG criteria: PVS1_strong, PM2_mod.

Literature cited by the submitters: PubMed 40081374.

NM_138368.5(AP5B1):c.862del (p.Gln288fs)

Gene: AP5B1 (adaptor related protein complex 5 subunit beta 1; minus strand). Cytogenetic location: 11q13.1.
Variant type: Deletion.
Coding change: c.862del on transcript NM_138368.5 (MANE Select); coding-DNA position 862, one base deleted (C; older notation c.862delC).
Protein change: p.Gln288fs; shifts the reading frame from glutamine 288.
Molecular consequence: frameshift variant.
Genome position (GRCh38, 1-based): chr11:65,779,631, G deleted on the plus strand (C on the coding strand, the reverse complement: AP5B1 is on the minus strand); the first of 3 consecutive G bases (chr11:65,779,631-65,779,633); deleting any one gives the same sequence. VCF-style (leftmost placement, unchanged base first): chr11-65779630-TG-T. GRCh37 (hg19) VCF-style: chr11-65547101-TG-T.
Other names: NC_000011.9:g.65547104del; NP_612377.4:p.(Gln288SerfsTer29); short protein forms Q288fs.
Identifiers: ClinVar variation 3777720 (VCV003777720.1).